The following is an entry in ClinVar:

NM_000092.5(COL4A4):c.868A>T (p.Lys290Ter)

Gene: COL4A4 (collagen type IV alpha 4 chain; minus strand). Cytogenetic location: 2q36.3.
Variant type: single nucleotide variant.
Coding change: c.868A>T on transcript NM_000092.5 (MANE Select); coding-DNA position 868, A replaced by T.
Protein change: p.Lys290Ter; replaces lysine 290 with a stop codon.
Molecular consequence: nonsense.
Genome position (GRCh38, 1-based): chr2:227,103,146, T>A on the plus strand (A>T on the coding strand, the complement: COL4A4 is on the minus strand). VCF-style: chr2-227103146-T-A. GRCh37 (hg19) VCF-style: chr2-227967862-T-A.
Other names: short protein forms K290*.
Identifiers: ClinVar variation 2612218 (VCV002612218.2), dbSNP rs1370407423, ClinGen allele CA350857517.

ClinVar aggregate classification (germline): Pathogenic (1 of 4 stars; one submission).

Conditions:
Inborn genetic diseases. Identifiers: MedGen C0950123, MeSH D030342.

gnomAD v4.1: 1 of 1,610,176 alleles (0.000062%); highest among the groups gnomAD compares: East Asian, 0.0022%; no homozygotes.

Submission:

Ambry Genetics
Classification: Pathogenic for Inborn genetic diseases. Last evaluated: 2023-08-14. Review status: criteria provided, single submitter. Criteria: Ambry Variant Classification Scheme 2023. Collection method: clinical testing. Allele origin: germline.
Comment: The c.868A>T (p.K290*) alteration, located in exon 14 (coding exon 13) of the COL4A4 gene, consists of a A to T substitution at nucleotide position 868. This changes the amino acid from a lysine (K) to a stop codon at amino acid position 290. This alteration is expected to result in loss of function by premature protein truncation or nonsense-mediated mRNA decay. Based on data from gnomAD, the T allele has an overall frequency of <0.001% (1/246334) total alleles studied. The highest observed frequency was 0.006% (1/17656) of East Asian alleles. Based on the available evidence, this alteration is classified as pathogenic.